The following is an entry in ClinVar:

NM_002506.3(NGF):c.188T>C (p.Val63Ala)

Genes: NGF (nerve growth factor; minus strand), NGF-AS1 (NGF antisense RNA 1; plus strand). Cytogenetic location: 1p13.2.
Variant type: single nucleotide variant.
Coding change: c.188T>C on transcript NM_002506.3 (MANE Select); coding-DNA position 188, T replaced by C.
Protein change: p.Val63Ala; replaces valine 63 with alanine.
Molecular consequence: missense variant.
Genome position (GRCh38, 1-based): chr1:115,286,608, A>G on the plus strand (T>C on the coding strand, the complement: NGF is on the minus strand). VCF-style: chr1-115286608-A-G. GRCh37 (hg19) VCF-style: chr1-115829229-A-G.
Other names: short protein forms V63A.
Identifiers: ClinVar variation 1440292 (VCV001440292.8), dbSNP rs767878560, ClinGen allele CA1023037.

ClinVar aggregate classification (germline): Uncertain significance (1 of 4 stars; one submission).

Conditions:
Congenital sensory neuropathy with selective loss of small myelinated fibers (HSAN5). Also called: HSAN Type V. Identifiers: Orphanet 64752, MedGen C0020075, MONDO:0012092, OMIM 608654.

Allele frequency attached by ClinVar (database versions not stated): gnomAD exomes below 0.00001; ExAC 0.00001.
gnomAD v4.1: 10 of 1,614,212 alleles (0.00062%); highest among the groups gnomAD compares: Non-Finnish European, 0.00051%; no homozygotes.

Submission:

Labcorp Genetics (formerly Invitae), Labcorp
Classification: Uncertain significance for Congenital sensory neuropathy with selective loss of small myelinated fibers. Last evaluated: 2020-12-24. Review status: criteria provided, single submitter. Criteria: Invitae Variant Classification Sherloc (09022015). Collection method: clinical testing. Allele origin: germline.
Comment: In summary, the available evidence is currently insufficient to determine the role of this variant in disease. Therefore, it has been classified as a Variant of Uncertain Significance. Algorithms developed to predict the effect of missense changes on protein structure and function output the following: SIFT: "Tolerated"; PolyPhen-2: "Benign"; Align-GVGD: "Class C0". The alanine amino acid residue is found in multiple mammalian species, suggesting that this missense change does not adversely affect protein function. These predictions have not been confirmed by published functional studies and their clinical significance is uncertain. This variant has not been reported in the literature in individuals with NGF-related conditions. This variant is present in population databases (rs767878560, ExAC 0.002%). This sequence change replaces valine with alanine at codon 63 of the NGF protein (p.Val63Ala). The valine residue is moderately conserved and there is a small physicochemical difference between valine and alanine.